The following is an entry in ClinVar:

ClinVar aggregate classification (germline): Pathogenic. Review status: criteria provided, multiple submitters, no conflicts (2 of 4 stars). 2 submissions from 2 submitters: Pathogenic (2). Last evaluated 2024-07-16.

Conditions:
Myopathy caused by variation in FKTN. Identifiers: MedGen CN305638, MONDO:0700067.
Walker-Warburg congenital muscular dystrophy. Also called: Muscular dystrophy-dystroglycanopathy, type A; Walker-Warburg syndrome. Identifiers: Orphanet 899, MedGen C0265221, MONDO:0000171.

Submissions (2):

Labcorp Genetics (formerly Invitae), Labcorp
Classification: Pathogenic for Walker-Warburg congenital muscular dystrophy. Last evaluated: 2024-07-16. Review status: criteria provided, single submitter. Criteria: Invitae Variant Classification Sherloc (09022015). Collection method: clinical testing. Allele origin: germline.
Comment: This sequence change creates a premature translational stop signal (p.Pro217Glnfs*23) in the FKTN gene. It is expected to result in an absent or disrupted protein product. Loss-of-function variants in FKTN are known to be pathogenic (PMID: 17044012, 17878207, 18752264). This variant is not present in population databases (gnomAD no frequency). This variant has not been reported in the literature in individuals affected with FKTN-related conditions. For these reasons, this variant has been classified as Pathogenic.

Myriad Genetics, Inc.
Classification: Pathogenic for Myopathy caused by variation in FKTN. Last evaluated: 2023-12-23. Review status: criteria provided, single submitter. Criteria: Myriad Autosomal Dominant, Autosomal Recessive and X-Linked Classification Criteria (2023). Collection method: clinical testing. Allele origin: unknown.
Comment: NM_001079802.1(FKTN):c.650delC(P217Qfs*23) is expected to be pathogenic in the context of FKTN-related disorders. This variant is predicted to lead to an abnormal or absent protein product due to the creation of a premature termination codon in FKTN, a gene where loss-of-function variants are known to be pathogenic. Please note: this variant was assessed in the context of healthy population screening.

Literature cited by the submitters: PubMed 17044012 (cited by Labcorp Genetics (formerly Invitae), Labcorp); PubMed 17878207 (cited by Labcorp Genetics (formerly Invitae), Labcorp); PubMed 18752264 (cited by Labcorp Genetics (formerly Invitae), Labcorp).

NM_001079802.2(FKTN):c.650del (p.Pro217fs)

Gene: FKTN (fukutin; plus strand). Cytogenetic location: 9q31.2.
Variant type: Deletion.
Coding change: c.650del on transcript NM_001079802.2 (MANE Select); coding-DNA position 650, one base deleted (C; older notation c.650delC).
Protein change: p.Pro217fs; shifts the reading frame from proline 217.
Molecular consequence: frameshift variant. On other transcripts: non-coding transcript variant (2).
Genome position (GRCh38, 1-based): chr9:105,607,821, C deleted; the last of 2 consecutive C bases (chr9:105,607,820-105,607,821); deleting either gives the same sequence. VCF-style (leftmost placement, unchanged base first): chr9-105607819-GC-G. GRCh37 (hg19) VCF-style: chr9-108370100-GC-G.
Other names: c.650del, p.Pro217fs (NM_001198963.2, NM_001351496.2, NM_001351498.2 and 1 more transcripts); c.581del, p.Pro194fs (NM_001351497.2); c.254del, p.Pro85fs (NM_001351499.2, NM_001351500.2, NM_001351501.2 and 1 more transcripts); short protein forms P194fs, P217fs, P85fs.
Identifiers: ClinVar variation 3659670 (VCV003659670.3).